The following is an entry in ClinVar:

ClinVar aggregate classification (germline): Conflicting classifications of pathogenicity. Review status: criteria provided, conflicting classifications (1 of 4 stars). 4 submissions from 4 submitters: Uncertain significance (3); Likely benign (1). Last evaluated 2023-08-10.

Conditions:
Cardiovascular phenotype. Identifiers: MedGen CN230736.
Duchenne muscular dystrophy (DMD). Also called: MUSCULAR DYSTROPHY, PSEUDOHYPERTROPHIC PROGRESSIVE, DUCHENNE TYPE; Duchenne Muscular Dystrophy (DMD). Identifiers: Orphanet 98896, MedGen C0013264, MONDO:0010679, OMIM 310200.
Dilated cardiomyopathy 3B (CMD3B). Also called: CMD3B: DMD-Related Dilated Cardiomyopathy; CARDIOMYOPATHY, DILATED, X-LINKED; DMD-Associated Dilated Cardiomyopathy. Identifiers: Orphanet 154, MedGen C3668940, MONDO:0010542, OMIM 302045.
Becker muscular dystrophy (BMD). Also called: MUSCULAR DYSTROPHY, PSEUDOHYPERTROPHIC PROGRESSIVE, BECKER TYPE; Becker Muscular Dystrophy (BMD). Identifiers: Orphanet 98895, MedGen C0917713, MONDO:0010311, OMIM 300376.

Allele frequency attached by ClinVar (database versions not stated): gnomAD exomes below 0.00001 and 0.00001; ExAC 0.00002; gnomAD 0.00002 and 0.00003; TOPMed 0.00003; 1000 Genomes Project 30x 0.00021; 1000 Genomes Project 0.00026.
gnomAD v4.1: 6 of 1,208,350 alleles (0.0005%); highest among the groups gnomAD compares: African/African-American, 0.007%; no homozygotes.

Submissions (4):

Labcorp Genetics (formerly Invitae), Labcorp
Classification: Likely benign for Duchenne muscular dystrophy. Last evaluated: 2023-08-10. Review status: criteria provided, single submitter. Criteria: Invitae Variant Classification Sherloc (09022015). Collection method: clinical testing. Allele origin: germline.

Fulgent Genetics
Classification: Uncertain significance for Becker muscular dystrophy; Dilated cardiomyopathy 3B; Duchenne muscular dystrophy. Last evaluated: 2021-07-29. Review status: criteria provided, single submitter. Criteria: ACMG Guidelines, 2015. Collection method: clinical testing. Allele origin: unknown.

Ambry Genetics
Classification: Uncertain significance for Cardiovascular phenotype. Last evaluated: 2021-07-13. Review status: criteria provided, single submitter. Criteria: Ambry Variant Classification Scheme 2023. Collection method: clinical testing. Allele origin: germline.
Comment: The p.P258T variant (also known as c.772C>A), located in coding exon 8 of the DMD gene, results from a C to A substitution at nucleotide position 772. The proline at codon 258 is replaced by threonine, an amino acid with highly similar properties. Based on data from gnomAD, the A allele has an overall frequency of 0.001466% (3/204652) total alleles studied, with 1 hemizygote observed. The highest observed frequency was 0.01578% (3/19015) of African American alleles. This amino acid position is poorly conserved in available vertebrate species. In addition, this alteration is predicted to be tolerated by in silico analysis. Since supporting evidence is limited at this time, the clinical significance of this alteration remains unclear.

Eurofins Ntd Llc (ga)
Classification: Uncertain significance. Last evaluated: 2018-03-21. Review status: criteria provided, single submitter. Criteria: EGL ClinVar v180209 classification definitions. Collection method: clinical testing. Allele origin: germline. Observed: 1 variant allele, 1 heterozygote.

NM_004006.3(DMD):c.772C>A (p.Pro258Thr)

Gene: DMD (dystrophin; minus strand). Cytogenetic location: Xp21.1.
Variant type: single nucleotide variant.
Coding change: c.772C>A on transcript NM_004006.3 (MANE Select); coding-DNA position 772, C replaced by A.
Protein change: p.Pro258Thr; replaces proline 258 with threonine.
Molecular consequence: missense variant.
Genome position (GRCh38, 1-based): chrX:32,699,171, G>T on the plus strand (C>A on the coding strand, the complement: DMD is on the minus strand). VCF-style: chrX-32699171-G-T. GRCh37 (hg19) VCF-style: chrX-32717288-G-T.
Other names: c.748C>A, p.Pro250Thr (NM_000109.4); c.760C>A, p.Pro254Thr (NM_004009.3); c.403C>A, p.Pro135Thr (NM_004010.3); short protein forms P258T, P254T, P135T, P250T.
Identifiers: ClinVar variation 596541 (VCV000596541.15), dbSNP rs773066825, ClinGen allele CA10380076.
Genomic context (GRCh38, chrX:32,699,171, plus strand): 5'-CCTGTTGAGAATAGTGCATTTGATGATGTAACTGAAAATGTTCTTCTTTAGTCACTTTAG[G>T]TGGCCTTGGCAACATTTCCACTTCCTGGATGGCTTCAATGCTCACTTGTTGAGGCAAAAC-3'
Protein context (NP_003997.2, residues 248-268): IQEVEMLPRP[Pro258Thr]KVTKEEHFQL